The following is an entry in ClinVar:

ClinVar aggregate classification (germline): Likely benign (0 of 4 stars; one submission).

Conditions:
NDUFA10-related disorder. Also called: NDUFA10-related condition.

Allele frequency attached by ClinVar (database versions not stated): ExAC 0.00063.

Submission:

PreventionGenetics, part of Exact Sciences
Classification: Likely benign for NDUFA10-related condition. Last evaluated: 2022-11-15. Review status: no assertion criteria provided. Collection method: clinical testing. Allele origin: germline.
Comment: This variant is classified as likely benign based on ACMG/AMP sequence variant interpretation guidelines (Richards et al. 2015 PMID: 25741868, with internal and published modifications).

NM_004544.4(NDUFA10):c.75+10C>G

Gene: NDUFA10 (NADH:ubiquinone oxidoreductase subunit A10; minus strand). Cytogenetic location: 2q37.3.
Variant type: single nucleotide variant.
Coding change: c.75+10C>G on transcript NM_004544.4 (MANE Select); 10 bases into the intron after coding-DNA position 75, C replaced by G.
Molecular consequence: intron variant.
Genome position (GRCh38, 1-based): chr2:240,025,217, G>C on the plus strand (C>G on the coding strand, the complement: NDUFA10 is on the minus strand). VCF-style: chr2-240025217-G-C. GRCh37 (hg19) VCF-style: chr2-240964634-G-C.
Other names: c.75+10C>G (NM_001322020.2, NM_001410987.1, NM_001322019.2).
Identifiers: ClinVar variation 3046462 (VCV003046462.2), dbSNP rs754678966, ClinGen allele CA2201184.